The following is an entry in ClinVar:

NM_152296.5(ATP1A3):c.2366C>T (p.Pro789Leu)

Gene: ATP1A3 (ATPase Na+/K+ transporting subunit alpha 3; minus strand). Cytogenetic location: 19q13.2.
Variant type: single nucleotide variant.
Coding change: c.2366C>T on transcript NM_152296.5 (MANE Select); coding-DNA position 2366, C replaced by T.
Protein change: p.Pro789Leu; replaces proline 789 with leucine.
Molecular consequence: missense variant.
Genome position (GRCh38, 1-based): chr19:41,970,440, G>A on the plus strand (C>T on the coding strand, the complement: ATP1A3 is on the minus strand). VCF-style: chr19-41970440-G-A. GRCh37 (hg19) VCF-style: chr19-42474592-G-A.
Other names: c.2399C>T, p.Pro800Leu (NM_001256213.2); c.2405C>T, p.Pro802Leu (NM_001256214.2); short protein forms P800L, P789L, P802L.
Identifiers: ClinVar variation 2986170 (VCV002986170.4), dbSNP rs2145948059, ClinGen allele CA406039421.

ClinVar aggregate classification (germline): Uncertain significance. Review status: criteria provided, multiple submitters, no conflicts (2 of 4 stars). 2 submissions from 2 submitters: Uncertain significance (2). Last evaluated 2023-12-20.

Conditions:
Inborn genetic diseases. Identifiers: MedGen C0950123, MeSH D030342.
Dystonia 12 (DYT12). Also called: DYT-ATP1A3; Rapid-Onset Dystonia-Parkinsonism (RDP). Identifiers: Orphanet 71517, MedGen C1868681, MONDO:0007496, OMIM 128235.

Allele frequency attached by ClinVar (database versions not stated): gnomAD exomes 0.00001.
gnomAD v4.1: 3 of 1,614,080 alleles (0.00019%); highest among the groups gnomAD compares: Non-Finnish European, 0.00025%; no homozygotes.

Submissions (2):

Ambry Genetics
Classification: Uncertain significance for Inborn genetic diseases. Last evaluated: 2023-12-20. Review status: criteria provided, single submitter. Criteria: Ambry Variant Classification Scheme 2023. Collection method: clinical testing. Allele origin: germline.

Labcorp Genetics (formerly Invitae), Labcorp
Classification: Uncertain significance for Dystonia 12. Last evaluated: 2023-06-03. Review status: criteria provided, single submitter. Criteria: Invitae Variant Classification Sherloc (09022015). Collection method: clinical testing. Allele origin: germline.
Comment: In summary, the available evidence is currently insufficient to determine the role of this variant in disease. Therefore, it has been classified as a Variant of Uncertain Significance. Advanced modeling of protein sequence and biophysical properties (such as structural, functional, and spatial information, amino acid conservation, physicochemical variation, residue mobility, and thermodynamic stability) performed at Invitae indicates that this missense variant is expected to disrupt ATP1A3 protein function. This variant has not been reported in the literature in individuals affected with ATP1A3-related conditions. This variant is not present in population databases (gnomAD no frequency). This sequence change replaces proline, which is neutral and non-polar, with leucine, which is neutral and non-polar, at codon 789 of the ATP1A3 protein (p.Pro789Leu).